The following is an entry in ClinVar:

NM_001206927.2(DNAH8):c.7615G>A (p.Val2539Met)

Gene: DNAH8 (dynein axonemal heavy chain 8; plus strand). Cytogenetic location: 6p21.2.
Variant type: single nucleotide variant.
Coding change: c.7615G>A on transcript NM_001206927.2 (MANE Select); coding-DNA position 7615, G replaced by A.
Protein change: p.Val2539Met; replaces valine 2539 with methionine.
Molecular consequence: missense variant.
Genome position (GRCh38, 1-based): chr6:38,873,371, G>A. VCF-style: chr6-38873371-G-A. GRCh37 (hg19) VCF-style: chr6-38841147-G-A.
Other names: c.6964G>A, p.Val2322Met (NM_001371.4); short protein forms V2322M, V2539M.
Identifiers: ClinVar variation 2824629 (VCV002824629.3), dbSNP rs2533101413, ClinGen allele CA364028922.

ClinVar aggregate classification (germline): Uncertain significance (1 of 4 stars; one submission).

Conditions:
Primary ciliary dyskinesia. Also called: Ciliary dyskinesia. Identifiers: Orphanet 244, MedGen C0008780, MONDO:0016575, HP:0012265.

Allele frequency attached by ClinVar (database versions not stated): gnomAD exomes below 0.00001.
gnomAD v4.1: 1 of 1,582,960 alleles (0.000063%); highest among the groups gnomAD compares: Non-Finnish European, 0.000085%; no homozygotes.

Submission:

Labcorp Genetics (formerly Invitae), Labcorp
Classification: Uncertain significance for Primary ciliary dyskinesia. Last evaluated: 2023-11-16. Review status: criteria provided, single submitter. Criteria: Invitae Variant Classification Sherloc (09022015). Collection method: clinical testing. Allele origin: germline.
Comment: This sequence change replaces valine, which is neutral and non-polar, with methionine, which is neutral and non-polar, at codon 2539 of the DNAH8 protein (p.Val2539Met). This variant is not present in population databases (gnomAD no frequency). This variant has not been reported in the literature in individuals affected with DNAH8-related conditions. Algorithms developed to predict the effect of missense changes on protein structure and function output the following: SIFT: "Not Available"; PolyPhen-2: "Not Available"; Align-GVGD: "Not Available". The methionine amino acid residue is found in multiple mammalian species, which suggests that this missense change does not adversely affect protein function. In summary, the available evidence is currently insufficient to determine the role of this variant in disease. Therefore, it has been classified as a Variant of Uncertain Significance.